The following is an entry in ClinVar:

NM_001128.6(AP1G1):c.154A>G (p.Lys52Glu)

Gene: AP1G1 (adaptor related protein complex 1 subunit gamma 1; minus strand). Cytogenetic location: 16q22.2.
Variant type: single nucleotide variant.
Coding change: c.154A>G on transcript NM_001128.6 (MANE Select); coding-DNA position 154, A replaced by G.
Protein change: p.Lys52Glu; replaces lysine 52 with glutamic acid.
Molecular consequence: missense variant.
Genome position (GRCh38, 1-based): chr16:71,789,326, T>C on the plus strand (A>G on the coding strand, the complement: AP1G1 is on the minus strand). VCF-style: chr16-71789326-T-C. GRCh37 (hg19) VCF-style: chr16-71823229-T-C.
Other names: c.154A>G, p.Lys52Glu (NM_001030007.2); short protein forms K52E.
Identifiers: ClinVar variation 3403234 (VCV003403234.2).

ClinVar aggregate classification (germline): Uncertain significance (1 of 4 stars; one submission).

Conditions:
Inborn genetic diseases. Identifiers: MedGen C0950123, MeSH D030342.

Submission:

Ambry Genetics
Classification: Uncertain significance for Inborn genetic diseases. Last evaluated: 2025-01-23. Review status: criteria provided, single submitter. Criteria: Ambry Variant Classification Scheme 2023. Collection method: clinical testing. Allele origin: germline.
Comment: The c.154A>G (p.K52E) alteration is located in exon 2 (coding exon 1) of the AP1G1 gene. This alteration results from an A to G substitution at nucleotide position 154, causing the lysine (K) at amino acid position 52 to be replaced by a glutamic acid (E). This variant was not reported in population-based cohorts in the Genome Aggregation Database (gnomAD). This amino acid position is highly conserved in available vertebrate species. This alteration is predicted to be deleterious by in silico analysis. Based on insufficient or conflicting evidence, the clinical significance of this alteration remains unclear.